The following is an entry in ClinVar:

NM_021615.5(CHST6):c.*1919C>T

Gene: CHST6 (carbohydrate sulfotransferase 6; minus strand). Cytogenetic location: 16q23.1.
Variant type: single nucleotide variant.
Coding change: c.*1919C>T on transcript NM_021615.5 (MANE Select); 1919 bases downstream of the stop codon, C replaced by T.
Molecular consequence: 3 prime UTR variant.
Genome position (GRCh38, 1-based): chr16:75,476,722, G>A on the plus strand (C>T on the coding strand, the complement: CHST6 is on the minus strand). VCF-style: chr16-75476722-G-A. GRCh37 (hg19) VCF-style: chr16-75510620-G-A.
Identifiers: ClinVar variation 320559 (VCV000320559.5), dbSNP rs7194035, ClinGen allele CA10648086.
Genomic context (GRCh38, chr16:75,476,722, plus strand): 5'-CCTCATCAGACAGCACTGGTGGCTTGATCTTGGACTTCCCAGTCTCCAGACTTGTGAGAA[G>A]AACATTTGTTTATAAGTTACCCAGTCTTTTTTTTTTTTTTGAGATGGAGTCTTGCTCTGT-3'

ClinVar aggregate classification (germline): Benign (1 of 4 stars; one submission).

Conditions:
Macular corneal dystrophy (MCD). Also called: GROENOUW TYPE II CORNEAL DYSTROPHY; Macular corneal dystrophy Type I. Identifiers: Orphanet 98969, MedGen C1636149, MONDO:0009020, OMIM 217800.

Allele frequency attached by ClinVar (database versions not stated): gnomAD exomes 0.48148; gnomAD 0.52511 and 0.52766; TOPMed 0.53088; 1000 Genomes Project 30x 0.53107; 1000 Genomes Project 0.53195.
gnomAD v4.1: 79,383 of 150,550 alleles (53%); highest among the groups gnomAD compares: Admixed American, 64%; 21,189 homozygotes.

Submission:

Illumina Laboratory Services, Illumina
Classification: Benign for Macular corneal dystrophy. Last evaluated: 2018-01-13. Review status: criteria provided, single submitter. Criteria: ICSL Variant Classification Criteria 13 December 2019. Collection method: clinical testing. Allele origin: germline.
Comment: This variant was observed in the ICSL laboratory as part of a predisposition screen in an ostensibly healthy population. It had not been previously curated by ICSL or reported in the Human Gene Mutation Database (HGMD: prior to June 1st, 2018), and was therefore a candidate for classification through an automated scoring system. Utilizing variant allele frequency, disease prevalence and penetrance estimates, and inheritance mode, an automated score was calculated to assess if this variant is too frequent to cause the disease. Based on the score and internal cut-off values, a variant classified as benign is not then subjected to further curation. The score for this variant resulted in a classification of benign for this disease.